The following is an entry in ClinVar:

NM_001292063.2(OTOG):c.4262G>A (p.Arg1421Gln)

Gene: OTOG (otogelin; plus strand). Cytogenetic location: 11p15.1.
Variant type: single nucleotide variant.
Coding change: c.4262G>A on transcript NM_001292063.2 (MANE Select); coding-DNA position 4262, G replaced by A.
Protein change: p.Arg1421Gln; replaces arginine 1421 with glutamine.
Molecular consequence: missense variant.
Genome position (GRCh38, 1-based): chr11:17,608,401, G>A. VCF-style: chr11-17608401-G-A. GRCh37 (hg19) VCF-style: chr11-17629948-G-A.
Other names: c.4298G>A, p.Arg1433Gln (NM_001277269.2); short protein forms R1421Q, R1433Q.
Identifiers: ClinVar variation 733420 (VCV000733420.13), dbSNP rs778218478, ClinGen allele CA5905831.

ClinVar aggregate classification (germline): Benign/Likely benign. Review status: criteria provided, multiple submitters, no conflicts (2 of 4 stars). 4 submissions from 4 submitters: Benign (1); Likely benign (3). Last evaluated 2026-01-05.

Conditions:
OTOG-related disorder. Also called: OTOG-related condition.

Allele frequency attached by ClinVar (database versions not stated): TOPMed 0.00012; gnomAD exomes 0.00029 and 0.00101; ExAC 0.00076; gnomAD 0.00092 and 0.00093.
gnomAD v4.1: 540 of 1,541,826 alleles (0.035%); highest among the groups gnomAD compares: Admixed American, 0.068%; 3 homozygotes.

Submissions (4):

Labcorp Genetics (formerly Invitae), Labcorp
Classification: Likely benign. Last evaluated: 2026-01-05. Review status: criteria provided, single submitter. Criteria: Invitae Variant Classification Sherloc (09022015). Collection method: clinical testing. Allele origin: germline.

PreventionGenetics, part of Exact Sciences
Classification: Likely benign for OTOG-related condition. Last evaluated: 2024-12-10. Review status: criteria provided, single submitter. Criteria: ACMG Guidelines, 2015. Collection method: clinical testing. Allele origin: germline.
Comment: This variant is classified as likely benign based on ACMG/AMP sequence variant interpretation guidelines (Richards et al. 2015 PMID: 25741868, with internal and published modifications).

Blueprint Genetics
Classification: Benign. Last evaluated: 2024-11-01. Review status: criteria provided, single submitter. Criteria: ACMG Guidelines, 2015. Collection method: clinical testing. Allele origin: germline.

GeneDx
Classification: Likely benign. Last evaluated: 2021-05-13. Review status: criteria provided, single submitter. Criteria: GeneDx Variant Classification Process June 2021. Collection method: clinical testing. Allele origin: germline. Affected: yes.